The following is an entry in ClinVar:

ClinVar aggregate classification (germline): Likely benign (1 of 4 stars; one submission).

Submission:

CeGaT Center for Human Genetics Tuebingen
Classification: Likely benign. Last evaluated: 2026-05-01. Review status: criteria provided, single submitter. Criteria: CeGaT Center For Human Genetics Tuebingen Variant Classification Criteria Version 2. Collection method: clinical testing. Allele origin: germline. Affected: yes. Observed: 2 variant alleles.
Comment: FBXO16: PM2:Supporting, BP4, BP7

NM_172366.4(FBXO16):c.198G>C (p.Ser66=)

Gene: FBXO16 (F-box protein 16; minus strand). Cytogenetic location: 8p21.1.
Variant type: single nucleotide variant.
Coding change: c.198G>C on transcript NM_172366.4 (MANE Select); coding-DNA position 198, G replaced by C.
Protein change: p.Ser66=; no amino-acid change (serine 66 retained).
Molecular consequence: synonymous variant.
Genome position (GRCh38, 1-based): chr8:28,463,756, C>G on the plus strand (G>C on the coding strand, the complement: FBXO16 is on the minus strand). VCF-style: chr8-28463756-C-G. GRCh37 (hg19) VCF-style: chr8-28321273-C-G.
Other names: c.162G>C, p.Ser54= (NM_001258211.2).
Identifiers: ClinVar variation 3234390 (VCV003234390.20), dbSNP rs762182226, ClinGen allele CA460068396.